The following is an entry in ClinVar:

NC_000006.11:g.(?_107067077)_(107069368_?)dup

Gene: RTN4IP1 (reticulon 4 interacting protein 1; minus strand). Cytogenetic location: 6q21.
Variant type: Duplication.
Identifiers: ClinVar variation 1067963 (VCV001067963.5).

ClinVar aggregate classification (germline): Likely pathogenic (1 of 4 stars; one submission).

Submission:

Labcorp Genetics (formerly Invitae), Labcorp
Classification: Likely pathogenic. Last evaluated: 2020-05-15. Review status: criteria provided, single submitter. Criteria: Invitae Variant Classification Sherloc (09022015). Collection method: clinical testing. Allele origin: germline.
Comment: In summary, the currently available evidence indicates that the variant is pathogenic, but additional data are needed to prove that conclusively. Therefore, this variant has been classified as Likely Pathogenic. Loss-of-function variants in RTN4IP1 are known to be pathogenic (PMID: 26593267). This variant has not been reported in the literature in individuals with RTN4IP1-related conditions. This variant results in a copy number gain of the genomic region encompassing exon(s) 3-4 of the RTN4IP1 gene. While the exact position of this variant cannot be determined from the data, sub-genic copy number gains are generally in tandem (PMID: 25640679). This variant is predicted to be out-of-frame, and may result in an absent or disrupted protein product.

Literature cited by the submitters: PubMed 26593267; PubMed 25640679.